The following is an entry in ClinVar:

NM_001366385.1(CARD14):c.669G>C (p.Gln223His)

Gene: CARD14 (caspase recruitment domain family member 14; plus strand). Cytogenetic location: 17q25.3.
Variant type: single nucleotide variant.
Coding change: c.669G>C on transcript NM_001366385.1 (MANE Select); coding-DNA position 669, G replaced by C.
Protein change: p.Gln223His; replaces glutamine 223 with histidine.
Molecular consequence: missense variant. On other transcripts: non-coding transcript variant (1).
Genome position (GRCh38, 1-based): chr17:80,184,232, G>C. VCF-style: chr17-80184232-G-C. GRCh37 (hg19) VCF-style: chr17-78158031-G-C.
Other names: c.669G>C, p.Gln223His (NM_001257970.1, NM_024110.4); short protein forms Q223H.
Identifiers: ClinVar variation 2954075 (VCV002954075.3), dbSNP rs777994413, ClinGen allele CA294858458.

ClinVar aggregate classification (germline): Uncertain significance (1 of 4 stars; one submission).

Conditions:
Pityriasis rubra pilaris (PRP). Also called: Pityriasis rubra pilaris--familial type. Identifiers: Orphanet 2897, MedGen C0032027, MONDO:0100017, OMIM 173200, MONDO:0008251.
Psoriasis 2. Identifiers: MedGen C1864497, MONDO:0011269, OMIM 602723.

Allele frequency attached by ClinVar (database versions not stated): 1000 Genomes Project 30x 0.00031.
gnomAD v4.1: 18 of 1,526,414 alleles (0.0012%); highest among the groups gnomAD compares: African/African-American, 0.023%; no homozygotes.

Submission:

Labcorp Genetics (formerly Invitae), Labcorp
Classification: Uncertain significance for Pityriasis rubra pilaris; Psoriasis 2. Last evaluated: 2025-03-28. Review status: criteria provided, single submitter. Criteria: Invitae Variant Classification Sherloc (09022015). Collection method: clinical testing. Allele origin: germline.
Comment: This sequence change replaces glutamine, which is neutral and polar, with histidine, which is basic and polar, at codon 223 of the CARD14 protein (p.Gln223His). The frequency data for this variant in the population databases is considered unreliable, as metrics indicate poor data quality at this position in the gnomAD database. This variant has not been reported in the literature in individuals affected with CARD14-related conditions. ClinVar contains an entry for this variant (Variation ID: 2954075). Invitae Evidence Modeling of protein sequence and biophysical properties (such as structural, functional, and spatial information, amino acid conservation, physicochemical variation, residue mobility, and thermodynamic stability) has been performed for this missense variant. However, the output from this modeling did not meet the statistical confidence thresholds required to predict the impact of this variant on CARD14 protein function. In summary, the available evidence is currently insufficient to determine the role of this variant in disease. Therefore, it has been classified as a Variant of Uncertain Significance.